The following is an entry in ClinVar:

NM_003630.3(PEX3):c.*895G>A

Gene: PEX3 (peroxisomal biogenesis factor 3; plus strand). Cytogenetic location: 6q24.2.
Variant type: single nucleotide variant.
Coding change: c.*895G>A on transcript NM_003630.3 (MANE Select); 895 bases downstream of the stop codon, G replaced by A.
Molecular consequence: 3 prime UTR variant.
Genome position (GRCh38, 1-based): chr6:143,490,121, G>A. VCF-style: chr6-143490121-G-A. GRCh37 (hg19) VCF-style: chr6-143811258-G-A.
Identifiers: ClinVar variation 355589 (VCV000355589.5), dbSNP rs3804545, ClinGen allele CA10625924.
Genomic context (GRCh38, chr6:143,490,121, plus strand): 5'-CATTTTTGTTATTATTTCGGAAGAGAGAGCATGCTAGTTTAAGTTTCATTTTAATTGGTC[G>A]TGTACTTGGTGCTTTTTTGTTGTTGTTAACTTGTTCATTTAGTAAAAAGCAAATAGCTTT-3'

ClinVar aggregate classification (germline): Likely benign (1 of 4 stars; one submission).

Conditions:
Peroxisome biogenesis disorder 10A (Zellweger). Also called: Peroxisome biogenesis disorder 10A. Identifiers: Orphanet 912, MedGen C3553999, MONDO:0013948, OMIM 614882.

Allele frequency attached by ClinVar (database versions not stated): gnomAD 0.00027 and 0.00046; TOPMed 0.00034; 1000 Genomes Project 30x 0.00297; 1000 Genomes Project 0.00339.

Submission:

Illumina Laboratory Services, Illumina
Classification: Likely benign for Peroxisome biogenesis disorder 10A (Zellweger). Last evaluated: 2018-01-12. Review status: criteria provided, single submitter. Criteria: ICSL Variant Classification Criteria 13 December 2019. Collection method: clinical testing. Allele origin: germline.
Comment: This variant was observed in the ICSL laboratory as part of a predisposition screen in an ostensibly healthy population. It had not been previously curated by ICSL or reported in the Human Gene Mutation Database (HGMD: prior to June 1st, 2018), and was therefore a candidate for classification through an automated scoring system. Utilizing variant allele frequency, disease prevalence and penetrance estimates, and inheritance mode, an automated score was calculated to assess if this variant is too frequent to cause the disease. Based on the score and internal cut-off values, a variant classified as likely benign is not then subjected to further curation. The score for this variant resulted in a classification of likely benign for this disease.